The following is an entry in ClinVar:

NM_000037.4(ANK1):c.4664C>T (p.Thr1555Met)

Gene: ANK1 (ankyrin 1; minus strand). Cytogenetic location: 8p11.21.
Variant type: single nucleotide variant.
Coding change: c.4664C>T on transcript NM_000037.4 (MANE Select); coding-DNA position 4664, C replaced by T.
Protein change: p.Thr1555Met; replaces threonine 1555 with methionine.
Molecular consequence: missense variant. On other transcripts: intron variant (1).
Genome position (GRCh38, 1-based): chr8:41,672,786, G>A on the plus strand (C>T on the coding strand, the complement: ANK1 is on the minus strand). VCF-style: chr8-41672786-G-A. GRCh37 (hg19) VCF-style: chr8-41530304-G-A.
Other names: c.4787C>T, p.Thr1596Met (NM_001142446.2); c.4664C>T, p.Thr1555Met (NM_020475.3, NM_020476.3); c.4538-360C>T (NM_020477.3); short protein forms T1596M, T1555M.
Identifiers: ClinVar variation 2286781 (VCV002286781.4), dbSNP rs756175061, ClinGen allele CA4727465.
Genomic context (GRCh38, chr8:41,672,786, plus strand): 5'-GGCGTGAGGCCCGCAGACCACACCTGCATGTCAGACATCTCCAGCATGGTGTCATGCTCC[G>A]TGGCCGCCAAGGGGATGGCGTCTAGGACGGCCACCTCATTCCAGTACTGGTCTGCACGTA-3'
Protein context (NP_000028.3, residues 1545-1565): AVLDAIPLAA[Thr1555Met]EHDTMLEMSD

ClinVar aggregate classification (germline): Uncertain significance. Review status: criteria provided, multiple submitters, no conflicts (2 of 4 stars). 3 submissions from 3 submitters: Uncertain significance (3). Last evaluated 2024-04-17.

Conditions:
Inborn genetic diseases. Identifiers: MedGen C0950123, MeSH D030342.
Hereditary spherocytosis type 1. Also called: Spherocytosis type 1; ANK1-Related Spherocytosis. Identifiers: Orphanet 822, MedGen C2674218, MONDO:0008447, OMIM 182900.

Allele frequency attached by ClinVar (database versions not stated): ExAC 0.00006.
gnomAD v4.1: 28 of 1,603,858 alleles (0.0017%); highest among the groups gnomAD compares: East Asian, 0.029%; no homozygotes.

Submissions (3):

Revvity Omics, Revvity
Classification: Uncertain significance for Hereditary spherocytosis type 1. Last evaluated: 2024-04-17. Review status: criteria provided, single submitter. Criteria: ACMG Guidelines, 2015. Collection method: clinical testing. Allele origin: germline.

GeneDx
Classification: Uncertain significance. Last evaluated: 2022-10-10. Review status: criteria provided, single submitter. Criteria: GeneDx Variant Classification Process June 2021. Collection method: clinical testing. Allele origin: germline. Affected: yes.
Comment: In silico analysis supports that this missense variant does not alter protein structure/function; Has not been previously published as pathogenic or benign to our knowledge

Ambry Genetics
Classification: Uncertain significance for Inborn genetic diseases. Last evaluated: 2022-04-28. Review status: criteria provided, single submitter. Criteria: Ambry Variant Classification Scheme 2023. Collection method: clinical testing. Allele origin: germline.